The following is an entry in ClinVar:

ClinVar aggregate classification (germline): Uncertain significance (1 of 4 stars; one submission).

gnomAD v4.1: 1 of 1,609,704 alleles (0.000062%); highest among the groups gnomAD compares: Non-Finnish European, 0.000085%; no homozygotes.

Submission:

GeneDx
Classification: Uncertain significance. Last evaluated: 2023-10-26. Review status: criteria provided, single submitter. Criteria: GeneDx Variant Classification Process June 2021. Collection method: clinical testing. Allele origin: germline. Affected: yes.
Comment: Not observed at significant frequency in large population cohorts (gnomAD); In silico analysis supports that this missense variant does not alter protein structure/function; Has not been previously published as pathogenic or benign to our knowledge

NM_001190274.2(FBXO11):c.2441T>G (p.Met814Arg)

Genes: FBXO11 (F-box protein 11; minus strand), MSH6 (mutS homolog 6; plus strand). Cytogenetic location: 2p16.3.
Variant type: single nucleotide variant.
Coding change: c.2441T>G on transcript NM_001190274.2 (MANE Select); coding-DNA position 2441, T replaced by G.
Protein change: p.Met814Arg; replaces methionine 814 with arginine.
Molecular consequence: missense variant. On other transcripts: intron variant (6).
Genome position (GRCh38, 1-based): chr2:47,809,605, A>C on the plus strand (T>G on the coding strand, the complement: FBXO11 is on the minus strand). VCF-style: chr2-47809605-A-C. GRCh37 (hg19) VCF-style: chr2-48036744-A-C.
Other names: c.2189T>G, p.Met730Arg (NM_001374325.1, NM_025133.4); c.*44-394A>C (NM_001406809.1); c.*41-394A>C (NM_001406796.1, NM_001406811.1, NM_001406805.1 and 2 more transcripts); short protein forms M730R, M814R.
Identifiers: ClinVar variation 3366205 (VCV003366205.1).